The following is an entry in ClinVar:

NM_001195263.2(PDZD7):c.2652G>A (p.Val884=)

Gene: PDZD7 (PDZ domain containing 7; minus strand). Cytogenetic location: 10q24.31.
Variant type: single nucleotide variant.
Coding change: c.2652G>A on transcript NM_001195263.2 (MANE Select); coding-DNA position 2652, G replaced by A.
Protein change: p.Val884=; no amino-acid change (valine 884 retained).
Molecular consequence: synonymous variant.
Genome position (GRCh38, 1-based): chr10:101,009,316, C>T on the plus strand (G>A on the coding strand, the complement: PDZD7 is on the minus strand). VCF-style: chr10-101009316-C-T. GRCh37 (hg19) VCF-style: chr10-102769073-C-T.
Identifiers: ClinVar variation 1634086 (VCV001634086.33), dbSNP rs754174021, ClinGen allele CA5653957.

ClinVar aggregate classification (germline): Likely benign. Review status: criteria provided, multiple submitters, no conflicts (2 of 4 stars). 3 submissions from 3 submitters: Likely benign (3). Last evaluated 2025-07-10.

Allele frequency attached by ClinVar (database versions not stated): gnomAD exomes 0.00002 and 0.00006; TOPMed 0.00002; gnomAD 0.00003.
gnomAD v4.1: 87 of 1,535,956 alleles (0.0057%); highest among the groups gnomAD compares: Non-Finnish European, 0.0071%; no homozygotes.

Submissions (3):

Labcorp Genetics (formerly Invitae), Labcorp
Classification: Likely benign. Last evaluated: 2025-07-10. Review status: criteria provided, single submitter. Criteria: Invitae Variant Classification Sherloc (09022015). Collection method: clinical testing. Allele origin: germline.

CeGaT Center for Human Genetics Tuebingen
Classification: Likely benign. Last evaluated: 2022-12-01. Review status: criteria provided, single submitter. Criteria: CeGaT Center For Human Genetics Tuebingen Variant Classification Criteria Version 2. Collection method: clinical testing. Allele origin: germline. Affected: yes. Observed: 1 variant allele.
Comment: PDZD7: BP4, BP7

Breakthrough Genomics
Classification: Likely benign. Review status: criteria provided, single submitter. Criteria: ACMG Guidelines, 2015. Collection method: not provided. Allele origin: germline. Inheritance: Autosomal recessive inheritance. Affected: yes.